The following is an entry in ClinVar:

ClinVar aggregate classification (germline): Uncertain significance (1 of 4 stars; one submission).

gnomAD v4.1: 1 of 1,614,086 alleles (0.000062%); highest among the groups gnomAD compares: Non-Finnish European, 0.000085%; no homozygotes.

Submission:

Labcorp Genetics (formerly Invitae), Labcorp
Classification: Uncertain significance. Last evaluated: 2025-11-17. Review status: criteria provided, single submitter. Criteria: Invitae Variant Classification Sherloc (09022015). Collection method: clinical testing. Allele origin: germline.
Comment: This sequence change replaces glycine, which is neutral and non-polar, with cysteine, which is neutral and slightly polar, at codon 2111 of the NSD1 protein (p.Gly2111Cys). This variant is not present in population databases (gnomAD no frequency). This variant has not been reported in the literature in individuals affected with NSD1-related conditions. Invitae Evidence Modeling of protein sequence and biophysical properties (such as structural, functional, and spatial information, amino acid conservation, physicochemical variation, residue mobility, and thermodynamic stability) indicates that this missense variant is not expected to disrupt NSD1 protein function with a negative predictive value of 95%. In summary, the available evidence is currently insufficient to determine the role of this variant in disease. Therefore, it has been classified as a Variant of Uncertain Significance.

NM_022455.5(NSD1):c.6331G>T (p.Gly2111Cys)

Gene: NSD1 (nuclear receptor binding SET domain protein 1; plus strand). Cytogenetic location: 5q35.3.
Variant type: single nucleotide variant.
Coding change: c.6331G>T on transcript NM_022455.5 (MANE Select); coding-DNA position 6331, G replaced by T.
Protein change: p.Gly2111Cys; replaces glycine 2111 with cysteine.
Molecular consequence: missense variant.
Genome position (GRCh38, 1-based): chr5:177,292,026, G>T. VCF-style: chr5-177292026-G-T. GRCh37 (hg19) VCF-style: chr5-176719027-G-T.
Other names: c.5458G>T, p.Gly1820Cys (NM_001365684.2, NM_001409308.1, NM_172349.5); c.6331G>T, p.Gly2111Cys (NM_001409301.1, NM_001409302.1, NM_001409303.1); c.5911G>T, p.Gly1971Cys (NM_001409304.1); c.5578G>T, p.Gly1860Cys (NM_001409305.1); c.5569G>T, p.Gly1857Cys (NM_001409306.1, NM_001409307.1); c.5209G>T, p.Gly1737Cys (NM_001409309.1); short protein forms G1971C, G2111C, G1737C, G1820C, G1857C, G1860C.
Identifiers: ClinVar variation 4737445 (VCV004737445.1).
Genomic context (GRCh38, chr5:177,292,026, plus strand): 5'-GCCACGGAAGAAAAGTCAAAGAAATTCAAGAAGAAGCAACAGGGAAAGCGCAGGACCCAG[G>T]GTGAAATCACAAAGGAGCGAGAAGATGAGTGTTTTAGTTGTGGGGATGCTGGCCAGCTCG-3'
Protein context (NP_071900.2, residues 2101-2121): KKQQGKRRTQ[Gly2111Cys]EITKEREDEC